The following is an entry in ClinVar:

NM_012082.4(ZFPM2):c.286G>T (p.Asp96Tyr)

Gene: ZFPM2 (zinc finger protein, FOG family member 2; plus strand). Cytogenetic location: 8q23.1.
Variant type: single nucleotide variant.
Coding change: c.286G>T on transcript NM_012082.4 (MANE Select); coding-DNA position 286, G replaced by T.
Protein change: p.Asp96Tyr; replaces aspartic acid 96 with tyrosine.
Molecular consequence: missense variant. On other transcripts: 5 prime UTR variant (1).
Genome position (GRCh38, 1-based): chr8:105,444,366, G>T. VCF-style: chr8-105444366-G-T. GRCh37 (hg19) VCF-style: chr8-106456594-G-T.
Other names: c.127G>T, p.Asp43Tyr (NM_001362836.2); c.-111G>T (NM_001362837.2); short protein forms D43Y, D96Y.
Identifiers: ClinVar variation 2593053 (VCV002593053.4), dbSNP rs772042320, ClinGen allele CA4839439.

ClinVar aggregate classification (germline): Uncertain significance. Review status: criteria provided, multiple submitters, no conflicts (2 of 4 stars). 2 submissions from 2 submitters: Uncertain significance (2). Last evaluated 2024-12-02.

Conditions:
Inborn genetic diseases. Identifiers: MedGen C0950123, MeSH D030342.
46,XY sex reversal 9 (SRXY9). Also called: 46,XY SEX REVERSAL, ZFPM2-RELATED. Identifiers: Orphanet 251510, MedGen C4015129, MONDO:0014480, OMIM 616067.

Allele frequency attached by ClinVar (database versions not stated): ExAC 0.00003; TOPMed 0.00004.
gnomAD v4.1: 35 of 1,610,944 alleles (0.0022%); highest among the groups gnomAD compares: Middle Eastern, 0.066%; no homozygotes.

Submissions (2):

Labcorp Genetics (formerly Invitae), Labcorp
Classification: Uncertain significance for 46,XY sex reversal 9. Last evaluated: 2024-12-02. Review status: criteria provided, single submitter. Criteria: Invitae Variant Classification Sherloc (09022015). Collection method: clinical testing. Allele origin: germline.
Comment: This sequence change replaces aspartic acid, which is acidic and polar, with tyrosine, which is neutral and polar, at codon 96 of the ZFPM2 protein (p.Asp96Tyr). This variant is present in population databases (rs772042320, gnomAD 0.005%). This variant has not been reported in the literature in individuals affected with ZFPM2-related conditions. ClinVar contains an entry for this variant (Variation ID: 2593053). An algorithm developed to predict the effect of missense changes on protein structure and function (PolyPhen-2) suggests that this variant is likely to be disruptive. In summary, the available evidence is currently insufficient to determine the role of this variant in disease. Therefore, it has been classified as a Variant of Uncertain Significance.

Ambry Genetics
Classification: Uncertain significance for Inborn genetic diseases. Last evaluated: 2023-07-27. Review status: criteria provided, single submitter. Criteria: Ambry Variant Classification Scheme 2023. Collection method: clinical testing. Allele origin: germline.